The following is an entry in ClinVar:

NM_000836.4(GRIN2D):c.102_116del (p.Pro35_Gly39del)

Genes: GRIN2D (glutamate ionotropic receptor NMDA type subunit 2D; plus strand), LOC130064855 (ATAC-STARR-seq lymphoblastoid silent region 10879; plus strand). Cytogenetic location: 19q13.33.
Variant type: Deletion.
Coding change: c.102_116del on transcript NM_000836.4 (MANE Select); coding-DNA positions 102 to 116, 15 bases deleted (GCCGGGCGGGGCCGG).
Protein change: p.Pro35_Gly39del.
Molecular consequence: inframe deletion.
Genome position (GRCh38, 1-based): chr19:48,398,494-48,398,508, GCCGGGCGGGGCCGG deleted; deleting any 15 consecutive bases within chr19:48,398,492-48,398,508 gives the same sequence; the c. name uses the placement nearest the transcript's 3' end. VCF-style (leftmost placement, unchanged base first): chr19-48398491-GGGGCCGGGCGGGGCC-G. GRCh37 (hg19) VCF-style: chr19-48901748-GGGGCCGGGCGGGGCC-G.
Identifiers: ClinVar variation 2983907 (VCV002983907.3), dbSNP rs2516061766, ClinGen allele CA2586187792.

ClinVar aggregate classification (germline): Uncertain significance (1 of 4 stars; one submission).

Submission:

Labcorp Genetics (formerly Invitae), Labcorp
Classification: Uncertain significance. Last evaluated: 2023-01-07. Review status: criteria provided, single submitter. Criteria: Invitae Variant Classification Sherloc (09022015). Collection method: clinical testing. Allele origin: germline.
Comment: In summary, the available evidence is currently insufficient to determine the role of this variant in disease. Therefore, it has been classified as a Variant of Uncertain Significance. Experimental studies and prediction algorithms are not available or were not evaluated, and the functional significance of this variant is currently unknown. This variant has not been reported in the literature in individuals affected with GRIN2D-related conditions. The frequency data for this variant in the population databases is considered unreliable, as metrics indicate insufficient coverage at this position in the gnomAD database. This variant, c.102_116del, results in the deletion of 5 amino acid(s) of the GRIN2D protein (p.Pro35_Gly39del), but otherwise preserves the integrity of the reading frame.